The following is an entry in ClinVar:

NM_000365.6(TPI1):c.*178G>A

Gene: TPI1 (triosephosphate isomerase 1; plus strand). Cytogenetic location: 12p13.31.
Variant type: single nucleotide variant.
Coding change: c.*178G>A on transcript NM_000365.6 (MANE Select); 178 bases downstream of the stop codon, G replaced by A.
Molecular consequence: 3 prime UTR variant.
Genome position (GRCh38, 1-based): chr12:6,870,561, G>A. VCF-style: chr12-6870561-G-A. GRCh37 (hg19) VCF-style: chr12-6979725-G-A.
Other names: c.*178G>A (NM_001159287.1, NM_001258026.2).
Identifiers: ClinVar variation 310367 (VCV000310367.5), dbSNP rs144171030, ClinGen allele CA6419084.
Genomic context (GRCh38, chr12:6,870,561, plus strand): 5'-CTCATCCAAACTGTATCTTCCTTTACTGTTTATATCTTCACCCTGTAATGGTTGGGACCA[G>A]GCCAATCCCTTCTCCACTTACTATAATGGTTGGAACTAAACGTCACCAAGGTGGCTTCTC-3'

ClinVar aggregate classification (germline): Likely benign (1 of 4 stars; one submission).

Conditions:
Triosephosphate isomerase deficiency (TPID). Also called: Triose phosphate isomerase deficiency. Identifiers: Orphanet 868, MedGen C1860808, MONDO:0014221, OMIM 615512.

Allele frequency attached by ClinVar (database versions not stated): gnomAD 0.00018 and 0.00029; TOPMed 0.00039; gnomAD exomes 0.00053 and 0.00058; ExAC 0.00054; 1000 Genomes Project 30x 0.00109; 1000 Genomes Project 0.00140.
gnomAD v4.1: 353 of 766,316 alleles (0.046%); highest among the groups gnomAD compares: East Asian, 0.83%; 1 homozygote.

Submission:

Illumina Laboratory Services, Illumina
Classification: Likely benign for Triosephosphate isomerase deficiency. Last evaluated: 2018-01-12. Review status: criteria provided, single submitter. Criteria: ICSL Variant Classification Criteria 13 December 2019. Collection method: clinical testing. Allele origin: germline.
Comment: This variant was observed in the ICSL laboratory as part of a predisposition screen in an ostensibly healthy population. It had not been previously curated by ICSL or reported in the Human Gene Mutation Database (HGMD: prior to June 1st, 2018), and was therefore a candidate for classification through an automated scoring system. Utilizing variant allele frequency, disease prevalence and penetrance estimates, and inheritance mode, an automated score was calculated to assess if this variant is too frequent to cause the disease. Based on the score and internal cut-off values, a variant classified as likely benign is not then subjected to further curation. The score for this variant resulted in a classification of likely benign for this disease.